The following is an entry in ClinVar:

ClinVar aggregate classification (germline): Uncertain significance (1 of 4 stars; one submission).

Submission:

GeneDx
Classification: Uncertain significance. Last evaluated: 2026-04-24. Review status: criteria provided, single submitter. Criteria: GeneDx Variant Classification Process June 2021. Collection method: clinical testing. Allele origin: germline.
Comment: Not observed at significant frequency in large population cohorts (gnomAD); In silico analysis supports that this missense variant has a deleterious effect on protein structure/function; Has not been previously published as pathogenic or benign to our knowledge

NM_145331.3(MAP3K7):c.676C>T (p.Arg226Trp)

Gene: MAP3K7 (mitogen-activated protein kinase kinase kinase 7; minus strand). Cytogenetic location: 6q15.
Variant type: single nucleotide variant.
Coding change: c.676C>T on transcript NM_145331.3 (MANE Select); coding-DNA position 676, C replaced by T.
Protein change: p.Arg226Trp; replaces arginine 226 with tryptophan.
Molecular consequence: missense variant.
Genome position (GRCh38, 1-based): chr6:90,553,518, G>A on the plus strand (C>T on the coding strand, the complement: MAP3K7 is on the minus strand). VCF-style: chr6-90553518-G-A. GRCh37 (hg19) VCF-style: chr6-91263237-G-A.
Other names: c.676C>T, p.Arg226Trp (NM_003188.4, NM_145332.3, NM_145333.3); short protein forms R226W.
Identifiers: ClinVar variation 5037696 (VCV005037696.1).